The following is an entry in ClinVar:

NM_006662.3(SRCAP):c.164C>G (p.Ser55Cys)

Gene: SRCAP (Snf2 related CREBBP activator protein; plus strand). Cytogenetic location: 16p11.2.
Variant type: single nucleotide variant.
Coding change: c.164C>G on transcript NM_006662.3 (MANE Select); coding-DNA position 164, C replaced by G.
Protein change: p.Ser55Cys; replaces serine 55 with cysteine.
Molecular consequence: missense variant.
Genome position (GRCh38, 1-based): chr16:30,704,173, C>G. VCF-style: chr16-30704173-C-G. GRCh37 (hg19) VCF-style: chr16-30715494-C-G.
Other names: short protein forms S55C.
Identifiers: ClinVar variation 4769378 (VCV004769378.1).

ClinVar aggregate classification (germline): Uncertain significance (1 of 4 stars; one submission).

Submission:

Labcorp Genetics (formerly Invitae), Labcorp
Classification: Uncertain significance. Last evaluated: 2025-10-19. Review status: criteria provided, single submitter. Criteria: Invitae Variant Classification Sherloc (09022015). Collection method: clinical testing. Allele origin: germline.
Comment: This sequence change replaces serine, which is neutral and polar, with cysteine, which is neutral and slightly polar, at codon 55 of the SRCAP protein (p.Ser55Cys). This variant is not present in population databases (gnomAD no frequency). This variant has not been reported in the literature in individuals affected with SRCAP-related conditions. Invitae Evidence Modeling of protein sequence and biophysical properties (such as structural, functional, and spatial information, amino acid conservation, physicochemical variation, residue mobility, and thermodynamic stability) indicates that this missense variant is not expected to disrupt SRCAP protein function with a negative predictive value of 80%. In summary, the available evidence is currently insufficient to determine the role of this variant in disease. Therefore, it has been classified as a Variant of Uncertain Significance.